The following is an entry in ClinVar:

ClinVar aggregate classification (germline): Uncertain significance (1 of 4 stars; one submission).

Allele frequency attached by ClinVar (database versions not stated): ExAC 0.00011.

Submission:

Labcorp Genetics (formerly Invitae), Labcorp
Classification: Uncertain significance. Last evaluated: 2021-08-27. Review status: criteria provided, single submitter. Criteria: Invitae Variant Classification Sherloc (09022015). Collection method: clinical testing. Allele origin: germline.
Comment: This sequence change replaces leucine with isoleucine at codon 216 of the RGS9BP protein (p.Leu216Ile). The leucine residue is weakly conserved and there is a small physicochemical difference between leucine and isoleucine. This variant is present in population databases (rs776270699, ExAC 0.07%). This variant has not been reported in the literature in individuals affected with RGS9BP-related conditions. Algorithms developed to predict the effect of missense changes on protein structure and function output the following: SIFT: "Tolerated"; PolyPhen-2: "Benign"; Align-GVGD: "Class C0". The isoleucine amino acid residue is found in multiple mammalian species, which suggests that this missense change does not adversely affect protein function. In summary, the available evidence is currently insufficient to determine the role of this variant in disease. Therefore, it has been classified as a Variant of Uncertain Significance.

NM_207391.3(RGS9BP):c.646C>A (p.Leu216Ile)

Gene: RGS9BP (regulator of G protein signaling 9 binding protein; plus strand). Cytogenetic location: 19q13.11.
Variant type: single nucleotide variant.
Coding change: c.646C>A on transcript NM_207391.3 (MANE Select); coding-DNA position 646, C replaced by A.
Protein change: p.Leu216Ile; replaces leucine 216 with isoleucine.
Molecular consequence: missense variant.
Genome position (GRCh38, 1-based): chr19:32,676,909, C>A. VCF-style: chr19-32676909-C-A. GRCh37 (hg19) VCF-style: chr19-33167815-C-A.
Other names: short protein forms L216I.
Identifiers: ClinVar variation 1386935 (VCV001386935.5), dbSNP rs776270699, ClinGen allele CA9357574.